The following is an entry in ClinVar:

ClinVar aggregate classification (germline): Uncertain significance (1 of 4 stars; one submission).

Conditions:
POLD1-related polyposis and colorectal cancer syndrome (CRCS10). Also called: Colorectal cancer 10; COLORECTAL CANCER, SUSCEPTIBILITY TO, ON CHROMOSOME 19q; Colorectal cancer, susceptibility to, 10. Identifiers: Orphanet 220460, MedGen C2675481, MONDO:0012953, OMIM 612591.

Submission:

Labcorp Genetics (formerly Invitae), Labcorp
Classification: Uncertain significance for POLD1-related polyposis and colorectal cancer syndrome. Last evaluated: 2022-02-18. Review status: criteria provided, single submitter. Criteria: Invitae Variant Classification Sherloc (09022015). Collection method: clinical testing. Allele origin: germline.
Comment: In summary, the available evidence is currently insufficient to determine the role of this variant in disease. Therefore, it has been classified as a Variant of Uncertain Significance. Algorithms developed to predict the effect of missense changes on protein structure and function are either unavailable or do not agree on the potential impact of this missense change (SIFT: "Tolerated"; PolyPhen-2: "Probably Damaging"; Align-GVGD: "Class C0"). This variant has not been reported in the literature in individuals affected with POLD1-related conditions. This variant is not present in population databases (gnomAD no frequency). This sequence change replaces glycine, which is neutral and non-polar, with alanine, which is neutral and non-polar, at codon 859 of the POLD1 protein (p.Gly859Ala).

NM_002691.4(POLD1):c.2576G>C (p.Gly859Ala)

Gene: POLD1 (DNA polymerase delta 1, catalytic subunit; plus strand). Cytogenetic location: 19q13.33.
Variant type: single nucleotide variant.
Coding change: c.2576G>C on transcript NM_002691.4 (MANE Select); coding-DNA position 2576, G replaced by C.
Protein change: p.Gly859Ala; replaces glycine 859 with alanine.
Molecular consequence: missense variant. On other transcripts: non-coding transcript variant (1).
Genome position (GRCh38, 1-based): chr19:50,415,449, G>C. VCF-style: chr19-50415449-G-C. GRCh37 (hg19) VCF-style: chr19-50918706-G-C.
Other names: c.2576G>C, p.Gly859Ala (NM_001256849.1); c.2654G>C, p.Gly885Ala (NM_001308632.1); short protein forms G859A, G885A.
Identifiers: ClinVar variation 1508012 (VCV001508012.8), dbSNP rs2122474257, ClinGen allele CA406985302.